The following is an entry in ClinVar:

NM_153704.6(TMEM67):c.1732A>G (p.Ile578Val)

Gene: TMEM67 (transmembrane protein 67; plus strand). Cytogenetic location: 8q22.1.
Variant type: single nucleotide variant.
Coding change: c.1732A>G on transcript NM_153704.6 (MANE Select); coding-DNA position 1732, A replaced by G.
Protein change: p.Ile578Val; replaces isoleucine 578 with valine.
Molecular consequence: missense variant. On other transcripts: non-coding transcript variant (1).
Genome position (GRCh38, 1-based): chr8:93,795,466, A>G. VCF-style: chr8-93795466-A-G. GRCh37 (hg19) VCF-style: chr8-94807694-A-G.
Other names: c.1489A>G, p.Ile497Val (NM_001142301.1); short protein forms I497V, I578V.
Identifiers: ClinVar variation 1406514 (VCV001406514.6), dbSNP rs2130727646, ClinGen allele CA371692346.

ClinVar aggregate classification (germline): Uncertain significance (1 of 4 stars; one submission).

Conditions:
Joubert syndrome. Also called: CEREBELLOPARENCHYMAL DISORDER IV; JOUBERT-BOLTSHAUSER SYNDROME; Familial aplasia of the vermis. Identifiers: Orphanet 475, MedGen C5979921, MONDO:0018772.
Meckel-Gruber syndrome. Also called: DYSENCEPHALIA SPLANCHNOCYSTICA; GRUBER SYNDROME; Dysencephalia splachnocystica. Identifiers: Orphanet 564, MedGen C0265215, MONDO:0018921.

Submission:

Labcorp Genetics (formerly Invitae), Labcorp
Classification: Uncertain significance for Joubert syndrome; Meckel-Gruber syndrome. Last evaluated: 2022-08-16. Review status: criteria provided, single submitter. Criteria: Invitae Variant Classification Sherloc (09022015). Collection method: clinical testing. Allele origin: germline.
Comment: ClinVar contains an entry for this variant (Variation ID: 1406514). Advanced modeling of protein sequence and biophysical properties (such as structural, functional, and spatial information, amino acid conservation, physicochemical variation, residue mobility, and thermodynamic stability) performed at Invitae indicates that this missense variant is not expected to disrupt TMEM67 protein function. In summary, the available evidence is currently insufficient to determine the role of this variant in disease. Therefore, it has been classified as a Variant of Uncertain Significance. This variant has not been reported in the literature in individuals affected with TMEM67-related conditions. This sequence change replaces isoleucine, which is neutral and non-polar, with valine, which is neutral and non-polar, at codon 578 of the TMEM67 protein (p.Ile578Val). This variant is not present in population databases (gnomAD no frequency).